The following is an entry in ClinVar:

NM_006031.6(PCNT):c.5995G>A (p.Gly1999Ser)

Gene: PCNT (pericentrin; plus strand). Cytogenetic location: 21q22.3.
Variant type: single nucleotide variant.
Coding change: c.5995G>A on transcript NM_006031.6 (MANE Select); coding-DNA position 5995, G replaced by A.
Protein change: p.Gly1999Ser; replaces glycine 1999 with serine.
Molecular consequence: missense variant.
Genome position (GRCh38, 1-based): chr21:46,412,837, G>A. VCF-style: chr21-46412837-G-A. GRCh37 (hg19) VCF-style: chr21-47832751-G-A.
Other names: c.5641G>A, p.Gly1881Ser (NM_001315529.2); short protein forms G1881S, G1999S.
Identifiers: ClinVar variation 3353311 (VCV003353311.2).

ClinVar aggregate classification (germline): Uncertain significance. Review status: criteria provided, single submitter (1 of 4 stars). 2 submissions from 2 submitters: Uncertain significance (1). 1 of the submissions does not count toward it. Last evaluated 2025-05-25.

Conditions:
PCNT-related disorder. Also called: PCNT-related condition.
Inborn genetic diseases. Identifiers: MedGen C0950123, MeSH D030342.

gnomAD v4.1: 71 of 1,611,098 alleles (0.0044%); highest among the groups gnomAD compares: Non-Finnish European, 0.0058%; no homozygotes.

Submissions (2):

Ambry Genetics
Classification: Uncertain significance for Inborn genetic diseases. Last evaluated: 2025-05-25. Review status: criteria provided, single submitter. Criteria: Ambry Variant Classification Scheme 2023. Collection method: clinical testing. Allele origin: germline.

PreventionGenetics, part of Exact Sciences
Classification: Uncertain significance for PCNT-related condition. Last evaluated: 2024-03-25. Review status: no assertion criteria provided. Collection method: clinical testing. Allele origin: germline. Not counted in ClinVar's aggregate classification.
Comment: The PCNT c.5995G>A variant is predicted to result in the amino acid substitution p.Gly1999Ser. To our knowledge, this variant has not been reported in the literature. This variant is reported in 0.0026% of alleles in individuals of European (Non-Finnish) descent in gnomAD. This variant is located at the first base of an exon; yet it is not predicated to affect splicing according to available splicing in silico algorithms (Alamut Visual Plus v1.6.1). At this time, the clinical significance of this variant is uncertain due to the absence of conclusive functional and genetic evidence.